The following is an entry in ClinVar:

ClinVar aggregate classification (germline): Benign. Review status: criteria provided, multiple submitters, no conflicts (2 of 4 stars). 3 submissions from 3 submitters: Benign (3). Last evaluated 2025-12-21.

Conditions:
Cataract 30 (CTRCT30). Also called: CATARACT 30, PULVERULENT. Identifiers: Orphanet 91492, Orphanet 98984, Orphanet 98992, MedGen C3805411, MONDO:0007286, OMIM 116300.

Allele frequency attached by ClinVar (database versions not stated): gnomAD exomes 0.00541 and 0.01386; ExAC 0.01703; gnomAD 0.04930 and 0.05252; ESP Exome Variant Server 0.05374; TOPMed 0.05460; 1000 Genomes Project 0.05651; 1000 Genomes Project 30x 0.05965.

Submissions (3):

Labcorp Genetics (formerly Invitae), Labcorp
Classification: Benign for Cataract 30. Last evaluated: 2025-12-21. Review status: criteria provided, single submitter. Criteria: Invitae Variant Classification Sherloc (09022015). Collection method: clinical testing. Allele origin: germline.

GeneDx
Classification: Benign. Last evaluated: 2018-05-31. Review status: criteria provided, single submitter. Criteria: GeneDx Variant Classification (06012015). Collection method: clinical testing. Allele origin: germline. Affected: yes.
Comment: This variant is considered likely benign or benign based on one or more of the following criteria: it is a conservative change, it occurs at a poorly conserved position in the protein, it is predicted to be benign by multiple in silico algorithms, and/or has population frequency not consistent with disease.

Breakthrough Genomics
Classification: Benign. Review status: criteria provided, single submitter. Criteria: ACMG Guidelines, 2015. Collection method: not provided. Allele origin: germline. Inheritance: Autosomal dominant inheritance. Affected: yes.

NM_003380.5(VIM):c.813C>T (p.Asp271=)

Gene: VIM (vimentin; plus strand). Cytogenetic location: 10p13.
Variant type: single nucleotide variant.
Coding change: c.813C>T on transcript NM_003380.5 (MANE Select); coding-DNA position 813, C replaced by T.
Protein change: p.Asp271=; no amino-acid change (aspartic acid 271 retained).
Molecular consequence: synonymous variant.
Genome position (GRCh38, 1-based): chr10:17,233,862, C>T. VCF-style: chr10-17233862-C-T. GRCh37 (hg19) VCF-style: chr10-17275861-C-T.
Identifiers: ClinVar variation 474044 (VCV000474044.13), dbSNP rs4903, ClinGen allele CA5426572.